The following is an entry in ClinVar:

NM_000130.5(F5):c.3642_3643del (p.Pro1215fs)

Gene: F5 (coagulation factor V; minus strand). Cytogenetic location: 1q24.2.
Variant type: Microsatellite.
Coding change: c.3642_3643del on transcript NM_000130.5 (MANE Select); coding-DNA positions 3642 to 3643, 2 bases deleted (TC; older notation c.3642_3643delTC).
Protein change: p.Pro1215fs; shifts the reading frame from proline 1215.
Molecular consequence: frameshift variant.
Genome position (GRCh38, 1-based): chr1:169,541,447-169,541,448, GA deleted on the plus strand (TC on the coding strand, the reverse complement: F5 is on the minus strand); deleting any 2 consecutive bases within chr1:169,541,447-169,541,455 gives the same sequence; the c. name uses the placement nearest the transcript's 3' end. VCF-style (leftmost placement, unchanged base first): chr1-169541446-GGA-G. GRCh37 (hg19) VCF-style: chr1-169510684-GGA-G.
Other names: c.3635_3636CT[3], p.Pro1215Argfs (NM_000130.4); c.3642_3643delTC (NM_000130.4); short protein forms P1215fs.
Identifiers: ClinVar variation 4998289 (VCV004998289.1).

ClinVar aggregate classification (germline): Pathogenic (1 of 4 stars; one submission).

Conditions:
F5-related disorder. Also called: F5-related condition.

Submission:

PreventionGenetics, part of Exact Sciences
Classification: Pathogenic for F5-related condition. Last evaluated: 2025-05-06. Review status: criteria provided, single submitter. Criteria: ACMG Guidelines, 2015. Collection method: clinical testing. Allele origin: germline.
Comment: The F5 c.3642_3643delTC variant is predicted to result in a frameshift and premature protein termination (p.Pro1215Argfs*175). This variant has been reported in the homozygous or compound heterozygous states in individuals with Factor V deficiency (Borhany et al. 2019. PubMed ID: 30924984; Che et al. 2020. PubMed ID: 32219828). This variant has not been reported in a large population database (gnomAD), indicating this variant is rare. Frameshift variants in F5 are expected to be pathogenic. This variant is interpreted as pathogenic.